The following is an entry in ClinVar:

NM_000051.4(ATM):c.6743A>C (p.Lys2248Thr)

Genes: ATM (ATM serine/threonine kinase; plus strand), C11orf65 (chromosome 11 open reading frame 65; minus strand). Cytogenetic location: 11q22.3.
Variant type: single nucleotide variant.
Coding change: c.6743A>C on transcript NM_000051.4 (MANE Select); coding-DNA position 6743, A replaced by C.
Protein change: p.Lys2248Thr; replaces lysine 2248 with threonine.
Molecular consequence: missense variant. On other transcripts: intron variant (2).
Genome position (GRCh38, 1-based): chr11:108,325,480, A>C. VCF-style: chr11-108325480-A-C. GRCh37 (hg19) VCF-style: chr11-108196207-A-C.
Other names: c.6743A>C, p.Lys2248Thr (NM_001351834.2); c.641-16409T>G (NM_001330368.2); c.*38+9740T>G (NM_001351110.2); short protein forms K2248T.
Identifiers: ClinVar variation 663800 (VCV000663800.10), dbSNP rs1591129646, ClinGen allele CA382555195.
Genomic context (GRCh38, chr11:108,325,480, plus strand): 5'-CAGTCATTTTGGAGATCCTGATGGAAAAGGAAATGGACAACTCACAAAGAGAATGTATTA[A>C]GGACATTCTCACCAAACACCTTGTAGAACTCTCTATACTGGCCAGAACTTTCAAGAACAC-3'
Protein context (NP_000042.3, residues 2238-2258): EMDNSQRECI[Lys2248Thr]DILTKHLVEL

ClinVar aggregate classification (germline): Uncertain significance. Review status: criteria provided, multiple submitters, no conflicts (2 of 4 stars). 2 submissions from 2 submitters: Uncertain significance (2). Last evaluated 2025-03-22.

Conditions:
Ataxia-telangiectasia syndrome (AT). Also called: Ataxia-telangiectasia, complementation group D; AT, COMPLEMENTATION GROUP C; ATAXIA-TELANGIECTASIA, COMPLEMENTATION GROUP A; ATAXIA-TELANGIECTASIA, FRESNO VARIANT; Ataxia-telangiectasia; LOUIS-BAR SYNDROME. Identifiers: Orphanet 100, MedGen C0004135, MONDO:0008840, OMIM 208900.
Hereditary cancer-predisposing syndrome. Also called: Tumor predisposition; Hereditary neoplastic syndrome; Neoplastic Syndromes, Hereditary; Hereditary Cancer Syndrome. Identifiers: Orphanet 140162, MedGen C0027672, MeSH D009386, MONDO:0015356.

Submissions (2):

Ambry Genetics
Classification: Uncertain significance for Hereditary cancer-predisposing syndrome. Last evaluated: 2025-03-22. Review status: criteria provided, single submitter. Criteria: Ambry Variant Classification Scheme 2023. Collection method: clinical testing. Allele origin: germline.
Comment: The p.K2248T variant (also known as c.6743A>C), located in coding exon 45 of the ATM gene, results from an A to C substitution at nucleotide position 6743. The lysine at codon 2248 is replaced by threonine, an amino acid with similar properties. This amino acid position is conserved. In addition, this alteration is predicted to be tolerated by in silico analysis. Based on the available evidence, the clinical significance of this variant remains unclear.

Labcorp Genetics (formerly Invitae), Labcorp
Classification: Uncertain significance for Ataxia-telangiectasia syndrome. Last evaluated: 2018-11-01. Review status: criteria provided, single submitter. Criteria: Invitae Variant Classification Sherloc (09022015). Collection method: clinical testing. Allele origin: germline.
Comment: In summary, the available evidence is currently insufficient to determine the role of this variant in disease. Therefore, it has been classified as a Variant of Uncertain Significance. Algorithms developed to predict the effect of missense changes on protein structure and function (SIFT, PolyPhen-2, Align-GVGD) all suggest that this variant is likely to be tolerated, but these predictions have not been confirmed by published functional studies and their clinical significance is uncertain. This variant has not been reported in the literature in individuals with ATM-related disease. This variant is not present in population databases (ExAC no frequency). This sequence change replaces lysine with threonine at codon 2248 of the ATM protein (p.Lys2248Thr). The lysine residue is moderately conserved and there is a moderate physicochemical difference between lysine and threonine.